The following is an entry in ClinVar:

ClinVar aggregate classification (germline): Uncertain significance. Review status: criteria provided, multiple submitters, no conflicts (2 of 4 stars). 5 submissions from 5 submitters: Uncertain significance (2). 3 of the submissions do not count toward it. Last evaluated 2025-12-24.

Conditions:
Hereditary sensory neuropathy-deafness-dementia syndrome. Also called: HSN IE; Hereditary sensory neuropathy type IE; NEUROPATHY, HEREDITARY SENSORY, WITH HEARING LOSS AND DEMENTIA; Hereditary Sensory and Autonomic Neuropathy Type 1E (HSAN1E). Identifiers: Orphanet 456318, MedGen C3279885, MONDO:0013584, OMIM 614116.

Allele frequency attached by ClinVar (database versions not stated): gnomAD 0.00001; TOPMed 0.00001.
gnomAD v4.1: 21 of 1,614,036 alleles (0.0013%); highest among the groups gnomAD compares: Admixed American, 0.0033%; no homozygotes.

Submissions (5):

Labcorp Genetics (formerly Invitae), Labcorp
Classification: Uncertain significance for Hereditary sensory neuropathy-deafness-dementia syndrome. Last evaluated: 2025-12-24. Review status: criteria provided, single submitter. Criteria: Invitae Variant Classification Sherloc (09022015). Collection method: clinical testing. Allele origin: germline.
Comment: This sequence change replaces aspartic acid, which is acidic and polar, with asparagine, which is neutral and polar, at codon 1062 of the DNMT1 protein (p.Asp1062Asn). This variant is present in population databases (rs548883904, gnomAD 0.01%). This variant has not been reported in the literature in individuals affected with DNMT1-related conditions. ClinVar contains an entry for this variant (Variation ID: 1191519). Invitae Evidence Modeling of protein sequence and biophysical properties (such as structural, functional, and spatial information, amino acid conservation, physicochemical variation, residue mobility, and thermodynamic stability) indicates that this missense variant is not expected to disrupt DNMT1 protein function with a negative predictive value of 80%. In summary, the available evidence is currently insufficient to determine the role of this variant in disease. Therefore, it has been classified as a Variant of Uncertain Significance.

GeneDx
Classification: Uncertain significance. Last evaluated: 2019-09-25. Review status: criteria provided, single submitter. Criteria: GeneDx Variant Classification Process June 2021. Collection method: clinical testing. Allele origin: germline. Affected: yes.
Comment: In silico analysis, which includes protein predictors and evolutionary conservation, supports that this variant does not alter protein structure/function; Has not been previously published as pathogenic or benign to our knowledge

Clinical Genetics DNA and cytogenetics Diagnostics Lab, Erasmus MC, Erasmus Medical Center
Classification: Uncertain significance. Review status: no assertion criteria provided. Collection method: clinical testing. Allele origin: germline. Affected: yes. Study: VKGL Data-share Consensus. Not counted in ClinVar's aggregate classification.

Clinical Genetics, Academic Medical Center
Classification: Uncertain significance. Review status: no assertion criteria provided. Collection method: clinical testing. Allele origin: germline. Affected: yes. Study: VKGL Data-share Consensus. Not counted in ClinVar's aggregate classification.

Laboratory of Diagnostic Genome Analysis, Leiden University Medical Center (LUMC)
Classification: Uncertain significance. Review status: no assertion criteria provided. Collection method: clinical testing. Allele origin: germline. Affected: yes. Study: VKGL Data-share Consensus. Not counted in ClinVar's aggregate classification.

NM_001130823.3(DNMT1):c.3184G>A (p.Asp1062Asn)

Gene: DNMT1 (DNA methyltransferase 1; minus strand). Cytogenetic location: 19p13.2.
Variant type: single nucleotide variant.
Coding change: c.3184G>A on transcript NM_001130823.3 (MANE Select); coding-DNA position 3184, G replaced by A.
Protein change: p.Asp1062Asn; replaces aspartic acid 1062 with asparagine.
Molecular consequence: missense variant.
Genome position (GRCh38, 1-based): chr19:10,142,153, C>T on the plus strand (G>A on the coding strand, the complement: DNMT1 is on the minus strand). VCF-style: chr19-10142153-C-T. GRCh37 (hg19) VCF-style: chr19-10252829-C-T.
Other names: c.3136G>A, p.Asp1046Asn (NM_001318730.2, NM_001379.4); c.2821G>A, p.Asp941Asn (NM_001318731.2); short protein forms D1046N, D1062N, D941N.
Identifiers: ClinVar variation 1191519 (VCV001191519.10), dbSNP rs548883904, ClinGen allele CA9187824.